The following is an entry in ClinVar:

NM_001367805.3(KIF23):c.63C>A (p.Asn21Lys)

Gene: KIF23 (kinesin family member 23; plus strand). Cytogenetic location: 15q23.
Variant type: single nucleotide variant.
Coding change: c.63C>A on transcript NM_001367805.3 (MANE Select); coding-DNA position 63, C replaced by A.
Protein change: p.Asn21Lys; replaces asparagine 21 with lysine.
Molecular consequence: missense variant. On other transcripts: 5 prime UTR variant (1), non-coding transcript variant (2).
Genome position (GRCh38, 1-based): chr15:69,416,045, C>A. VCF-style: chr15-69416045-C-A. GRCh37 (hg19) VCF-style: chr15-69708384-C-A.
Other names: c.-131C>A (NM_001281301.2); c.63C>A, p.Asn21Lys (NM_001367804.2, NM_004856.7, NM_138555.4); short protein forms N21K.
Identifiers: ClinVar variation 2817334 (VCV002817334.3), dbSNP rs2140305791, ClinGen allele CA392999788.

ClinVar aggregate classification (germline): Uncertain significance (1 of 4 stars; one submission).

Submission:

Labcorp Genetics (formerly Invitae), Labcorp
Classification: Uncertain significance. Last evaluated: 2022-11-29. Review status: criteria provided, single submitter. Criteria: Invitae Variant Classification Sherloc (09022015). Collection method: clinical testing. Allele origin: germline.
Comment: This variant has not been reported in the literature in individuals affected with KIF23-related conditions. This sequence change replaces asparagine, which is neutral and polar, with lysine, which is basic and polar, at codon 21 of the KIF23 protein (p.Asn21Lys). This variant is not present in population databases (gnomAD no frequency). Algorithms developed to predict the effect of missense changes on protein structure and function (SIFT, PolyPhen-2, Align-GVGD) all suggest that this variant is likely to be tolerated. In summary, the available evidence is currently insufficient to determine the role of this variant in disease. Therefore, it has been classified as a Variant of Uncertain Significance.